The following is an entry in ClinVar:

NM_015272.5(RPGRIP1L):c.394A>T (p.Arg132Ter)

Gene: RPGRIP1L (RPGRIP1 like; minus strand). Cytogenetic location: 16q12.2.
Variant type: single nucleotide variant.
Coding change: c.394A>T on transcript NM_015272.5 (MANE Select); coding-DNA position 394, A replaced by T.
Protein change: p.Arg132Ter; replaces arginine 132 with a stop codon.
Molecular consequence: nonsense.
Genome position (GRCh38, 1-based): chr16:53,692,201, T>A on the plus strand (A>T on the coding strand, the complement: RPGRIP1L is on the minus strand). VCF-style: chr16-53692201-T-A. GRCh37 (hg19) VCF-style: chr16-53726113-T-A.
Other names: c.394A>T (NM_015272.4); c.394A>T, p.Arg132Ter (NM_001127897.4, NM_001308334.3, NM_001330538.2); short protein forms R132*.
Identifiers: ClinVar variation 1072 (VCV000001072.13), dbSNP rs121918201, ClinGen allele CA114729.

ClinVar aggregate classification (germline): Pathogenic. Review status: criteria provided, multiple submitters, no conflicts (2 of 4 stars). 3 submissions from 3 submitters: Pathogenic (2). 1 of the submissions does not count toward it. Last evaluated 2025-06-12.

Conditions:
Joubert syndrome. Also called: CEREBELLOPARENCHYMAL DISORDER IV; JOUBERT-BOLTSHAUSER SYNDROME; Familial aplasia of the vermis. Identifiers: Orphanet 475, MedGen C5979921, MONDO:0018772.
Meckel-Gruber syndrome. Also called: DYSENCEPHALIA SPLANCHNOCYSTICA; Dysencephalia splachnocystica; GRUBER SYNDROME. Identifiers: Orphanet 564, MedGen C0265215, MONDO:0018921.
Meckel syndrome, type 5 (MKS5). Identifiers: Orphanet 564, MedGen C1969052, MONDO:0012695, OMIM 611561.

Allele frequency attached by ClinVar (database versions not stated): gnomAD exomes below 0.00001.
gnomAD v4.1: 1 of 1,614,212 alleles (0.000062%); highest among the groups gnomAD compares: Non-Finnish European, 0.000085%; no homozygotes.

Submissions (3):

Natera, Inc.
Classification: Pathogenic for Joubert syndrome. Last evaluated: 2025-06-12. Review status: criteria provided, single submitter. Criteria: Natera Variant Classification Schema (03/2026). Collection method: clinical testing. Allele origin: germline.
Comment: The c.394A>T variant in RPGRIP1L is a nonsense variant predicted to introduce a stop codon at amino acid 132. This variant is expected to result in nonsense mediated decay, truncation, or a dysfunctional protein product. This variant is rare in the general population with a frequency below the threshold expected for the associated phenotype(s). This variant has been observed in one or more individuals affected with the associated recessive disease, as either homozygous or compound heterozygous with a second variant (PMID: 17558409). Given the available evidence, this variant is classified as Pathogenic.

Labcorp Genetics (formerly Invitae), Labcorp
Classification: Pathogenic for Joubert syndrome; Meckel-Gruber syndrome. Last evaluated: 2025-06-10. Review status: criteria provided, single submitter. Criteria: Invitae Variant Classification Sherloc (09022015). Collection method: clinical testing. Allele origin: germline.
Comment: This sequence change creates a premature translational stop signal (p.Arg132*) in the RPGRIP1L gene. It is expected to result in an absent or disrupted protein product. Loss-of-function variants in RPGRIP1L are known to be pathogenic (PMID: 17558409). This variant is not present in population databases (gnomAD no frequency). This premature translational stop signal has been observed in individual(s) with clinical features of Meckel syndrome (PMID: 17558409). ClinVar contains an entry for this variant (Variation ID: 1072). For these reasons, this variant has been classified as Pathogenic.

OMIM
Classification: Pathogenic for MECKEL SYNDROME, TYPE 5. Last evaluated: 2007-07-01. Review status: no assertion criteria provided. Collection method: literature only. Allele origin: germline. Not counted in ClinVar's aggregate classification.

Literature cited by the submitters: PubMed 17558409 (cited by 3 submitters).